The following is an entry in ClinVar:

NM_004426.3(PHC1):c.2110G>A (p.Ala704Thr)

Gene: PHC1 (polyhomeotic homolog 1; plus strand). Cytogenetic location: 12p13.31.
Variant type: single nucleotide variant.
Coding change: c.2110G>A on transcript NM_004426.3 (MANE Select); coding-DNA position 2110, G replaced by A.
Protein change: p.Ala704Thr; replaces alanine 704 with threonine.
Molecular consequence: missense variant.
Genome position (GRCh38, 1-based): chr12:8,934,335, G>A. VCF-style: chr12-8934335-G-A. GRCh37 (hg19) VCF-style: chr12-9086931-G-A.
Other names: short protein forms A704T.
Identifiers: ClinVar variation 436302 (VCV000436302.31), dbSNP rs144307674, ClinGen allele CA6437139.

ClinVar aggregate classification (germline): Likely benign. Review status: criteria provided, multiple submitters, no conflicts (2 of 4 stars). 4 submissions from 4 submitters: Likely benign (3). 1 of the submissions does not count toward it. Last evaluated 2026-03-01.

Conditions:
PHC1-related disorder. Also called: PHC1-related condition.

Allele frequency attached by ClinVar (database versions not stated): ExAC 0.00237; gnomAD 0.00237 and 0.00239; gnomAD exomes 0.00242 and 0.00301; ESP Exome Variant Server 0.00246; TOPMed 0.00291; 1000 Genomes Project 0.00319; 1000 Genomes Project 30x 0.00344.
gnomAD v4.1: 4,807 of 1,613,916 alleles (0.3%); highest among the groups gnomAD compares: Admixed American, 0.53%; 12 homozygotes.

Submissions (4):

CeGaT Center for Human Genetics Tuebingen
Classification: Likely benign. Last evaluated: 2026-03-01. Review status: criteria provided, single submitter. Criteria: CeGaT Center For Human Genetics Tuebingen Variant Classification Criteria Version 2. Collection method: clinical testing. Allele origin: germline. Affected: yes. Observed: 4 variant alleles.
Comment: PHC1: BP4, BS2

Genetic Services Laboratory, University of Chicago
Classification: Likely benign. Last evaluated: 2016-08-12. Review status: criteria provided, single submitter. Criteria: ACMG Guidelines, 2015. Collection method: clinical testing. Allele origin: germline. Affected: no.

Breakthrough Genomics
Classification: Likely benign. Review status: criteria provided, single submitter. Criteria: ACMG Guidelines, 2015. Collection method: not provided. Allele origin: germline. Inheritance: Autosomal recessive inheritance. Affected: yes.

PreventionGenetics, part of Exact Sciences
Classification: Likely benign for PHC1-related condition. Last evaluated: 2019-09-26. Review status: no assertion criteria provided. Collection method: clinical testing. Allele origin: germline. Not counted in ClinVar's aggregate classification.
Comment: This variant is classified as likely benign based on ACMG/AMP sequence variant interpretation guidelines (Richards et al. 2015 PMID: 25741868, with internal and published modifications).